The following is an entry in ClinVar:

ClinVar aggregate classification (germline): Uncertain significance (1 of 4 stars; one submission).

Submission:

Labcorp Genetics (formerly Invitae), Labcorp
Classification: Uncertain significance. Last evaluated: 2025-03-17. Review status: criteria provided, single submitter. Criteria: Invitae Variant Classification Sherloc (09022015). Collection method: clinical testing. Allele origin: germline.
Comment: This sequence change replaces alanine, which is neutral and non-polar, with valine, which is neutral and non-polar, at codon 770 of the SETBP1 protein (p.Ala770Val). This variant is not present in population databases (gnomAD no frequency). This variant has not been reported in the literature in individuals affected with SETBP1-related conditions. ClinVar contains an entry for this variant (Variation ID: 1955428). Invitae Evidence Modeling of protein sequence and biophysical properties (such as structural, functional, and spatial information, amino acid conservation, physicochemical variation, residue mobility, and thermodynamic stability) indicates that this missense variant is not expected to disrupt SETBP1 protein function with a negative predictive value of 80%. In summary, the available evidence is currently insufficient to determine the role of this variant in disease. Therefore, it has been classified as a Variant of Uncertain Significance.

NM_015559.3(SETBP1):c.2309C>T (p.Ala770Val)

Gene: SETBP1 (SET binding protein 1; plus strand). Cytogenetic location: 18q12.3.
Variant type: single nucleotide variant.
Coding change: c.2309C>T on transcript NM_015559.3 (MANE Select); coding-DNA position 2309, C replaced by T.
Protein change: p.Ala770Val; replaces alanine 770 with valine.
Molecular consequence: missense variant.
Genome position (GRCh38, 1-based): chr18:44,951,649, C>T. VCF-style: chr18-44951649-C-T. GRCh37 (hg19) VCF-style: chr18-42531614-C-T.
Other names: c.2309C>T, p.Ala770Val (NM_001379141.1, NM_001379142.1, NM_001410862.1); short protein forms A770V.
Identifiers: ClinVar variation 1955428 (VCV001955428.5), dbSNP rs2071354469, ClinGen allele CA402320868.